The following is an entry in ClinVar:

ClinVar aggregate classification (germline): Uncertain significance (1 of 4 stars; one submission).

Submission:

Labcorp Genetics (formerly Invitae), Labcorp
Classification: Uncertain significance. Last evaluated: 2025-06-12. Review status: criteria provided, single submitter. Criteria: Invitae Variant Classification Sherloc (09022015). Collection method: clinical testing. Allele origin: germline.
Comment: This sequence change creates a premature translational stop signal (p.Gln193Serfs*13) in the CEP89 gene. It is expected to result in an absent or disrupted protein product. However, the current clinical and genetic evidence is not sufficient to establish whether loss-of-function variants in CEP89 cause disease. This variant is not present in population databases (gnomAD no frequency). This variant has not been reported in the literature in individuals affected with CEP89-related conditions. ClinVar contains an entry for this variant (Variation ID: 3686671). In summary, the available evidence is currently insufficient to determine the role of this variant in disease. Therefore, it has been classified as a Variant of Uncertain Significance.

NM_032816.5(CEP89):c.576del (p.Gln193fs)

Gene: CEP89 (centrosomal protein 89; minus strand). Cytogenetic location: 19q13.11.
Variant type: Deletion.
Coding change: c.576del on transcript NM_032816.5 (MANE Select); coding-DNA position 576, one base deleted (A; older notation c.576delA).
Protein change: p.Gln193fs; shifts the reading frame from glutamine 193.
Molecular consequence: frameshift variant.
Genome position (GRCh38, 1-based): chr19:32,948,285, T deleted on the plus strand (A on the coding strand, the reverse complement: CEP89 is on the minus strand). VCF-style (leftmost placement, unchanged base first): chr19-32948284-GT-G. GRCh37 (hg19) VCF-style: chr19-33439190-GT-G.
Other names: short protein forms Q193fs.
Identifiers: ClinVar variation 3686671 (VCV003686671.2).
Genomic context (GRCh38, chr19:32,948,284, plus strand): 5'-ATGTTCTTATATTTTATAAAAATTGTGGTTTTTTTTTTCTACCTTTTTGTTGTGTCCGCT[GT>G]GGTGCAGGAGGGGAGCCTGGAAACCCATCTTGATGAGAAATATTTTCATCGTCTTCACTG-3'